The following is an entry in ClinVar:

ClinVar aggregate classification (germline): Likely pathogenic (1 of 4 stars; one submission).

Conditions:
Dilated cardiomyopathy 1G (CMD1G). Identifiers: Orphanet 154, MedGen C1858763, MONDO:0011400, OMIM 604145.
Autosomal recessive limb-girdle muscular dystrophy type 2J (LGMDR10). Also called: Limb-girdle muscular dystrophy, type 2J; MUSCULAR DYSTROPHY, LIMB-GIRDLE, AUTOSOMAL RECESSIVE 10. Identifiers: Orphanet 140922, MedGen C1837342, MONDO:0012127, OMIM 608807.

Submission:

Labcorp Genetics (formerly Invitae), Labcorp
Classification: Likely pathogenic for Dilated cardiomyopathy 1G; Autosomal recessive limb-girdle muscular dystrophy type 2J. Last evaluated: 2022-11-04. Review status: criteria provided, single submitter. Criteria: Invitae Variant Classification Sherloc (09022015). Collection method: clinical testing. Allele origin: germline.
Comment: This variant is not present in population databases (gnomAD no frequency). In summary, the currently available evidence indicates that the variant is pathogenic, but additional data are needed to prove that conclusively. Therefore, this variant has been classified as Likely Pathogenic. This variant is located in the A band of TTN (PMID: 25589632). Truncating variants in this region are significantly overrepresented in patients affected with dilated cardiomyopathy (PMID: 25589632). Truncating variants in this region have also been reported in individuals affected with autosomal recessive centronuclear myopathy (PMID: 23975875). This variant has not been reported in the literature in individuals affected with TTN-related conditions. This sequence change creates a premature translational stop signal (p.Ser28740*) in the TTN gene. While this is not anticipated to result in nonsense mediated decay, it is expected to create a truncated TTN protein.

Literature cited by the submitters: PubMed 25589632; PubMed 23975875.

NM_001267550.2(TTN):c.86219_86220del (p.Ser28739_Ser28740insTer)

Genes: TTN-AS1 (TTN antisense RNA 1; plus strand), TTN (titin; minus strand). Cytogenetic location: 2q31.2.
Variant type: Microsatellite.
Coding change: c.86219_86220del on transcript NM_001267550.2 (MANE Select); coding-DNA positions 86219 to 86220, 2 bases deleted (CT; older notation c.86219_86220delCT).
Protein change: p.Ser28739_Ser28740insTer.
Molecular consequence: nonsense.
Genome position (GRCh38, 1-based): chr2:178,559,912-178,559,913, AG deleted on the plus strand (CT on the coding strand, the reverse complement: TTN is on the minus strand); deleting any 2 consecutive bases within chr2:178,559,912-178,559,915 gives the same sequence; the c. name uses the placement nearest the transcript's 3' end. VCF-style (leftmost placement, unchanged base first): chr2-178559911-CAG-C. GRCh37 (hg19) VCF-style: chr2-179424638-CAG-C.
Other names: c.81296_81297del, p.Ser27098_Ser27099insTer (NM_001256850.1); c.59024_59025del, p.Ser19674_Ser19675insTer (NM_003319.4); c.78515_78516del, p.Ser26171_Ser26172insTer (NM_133378.4); c.59399_59400del, p.Ser19799_Ser19800insTer (NM_133432.3); c.59600_59601del, p.Ser19866_Ser19867insTer (NM_133437.4).
Identifiers: ClinVar variation 2941280 (VCV002941280.3), dbSNP rs2469638965, ClinGen allele CA2740096013.